The following is an entry in ClinVar:

NM_012330.4(KAT6B):c.3784A>C (p.Asn1262His)

Gene: KAT6B (lysine acetyltransferase 6B; plus strand). Cytogenetic location: 10q22.2.
Variant type: single nucleotide variant.
Coding change: c.3784A>C on transcript NM_012330.4 (MANE Select); coding-DNA position 3784, A replaced by C.
Protein change: p.Asn1262His; replaces asparagine 1262 with histidine.
Molecular consequence: missense variant.
Genome position (GRCh38, 1-based): chr10:75,028,608, A>C. VCF-style: chr10-75028608-A-C. GRCh37 (hg19) VCF-style: chr10-76788366-A-C.
Other names: c.3235A>C, p.Asn1079His (NM_001256468.2, NM_001370138.1); c.2908A>C, p.Asn970His (NM_001256469.2, NM_001370139.1, NM_001370140.1 and 2 more transcripts); c.2746A>C, p.Asn916His (NM_001370132.1); c.2095A>C, p.Asn699His (NM_001370133.1); c.1699A>C, p.Asn567His (NM_001370134.1); c.1441A>C, p.Asn481His (NM_001370135.1); c.3784A>C, p.Asn1262His (NM_001370136.1, NM_001370137.1); c.2719A>C, p.Asn907His (NM_001370143.1, NM_001370144.1); short protein forms N1079H, N1262H, N481H, N567H, N699H, N907H, N916H, N970H.
Identifiers: ClinVar variation 4811282 (VCV004811282.1).

ClinVar aggregate classification (germline): Uncertain significance (1 of 4 stars; one submission).

Conditions:
Genitopatellar syndrome (GTPTS). Also called: ABSENT PATELLAE, SCROTAL HYPOPLASIA, RENAL ANOMALIES, FACIAL DYSMORPHISM, AND MENTAL RETARDATION; Genitopatellar syndrome (GPS). Identifiers: Orphanet 85201, MedGen C1853566, MONDO:0011640, OMIM 606170.

Submission:

Labcorp Genetics (formerly Invitae), Labcorp
Classification: Uncertain significance for Genitopatellar syndrome. Last evaluated: 2025-08-29. Review status: criteria provided, single submitter. Criteria: Invitae Variant Classification Sherloc (09022015). Collection method: clinical testing. Allele origin: germline.
Comment: This sequence change replaces asparagine, which is neutral and polar, with histidine, which is basic and polar, at codon 1262 of the KAT6B protein (p.Asn1262His). This variant is not present in population databases (gnomAD no frequency). This variant has not been reported in the literature in individuals affected with KAT6B-related conditions. Invitae Evidence Modeling of protein sequence and biophysical properties (such as structural, functional, and spatial information, amino acid conservation, physicochemical variation, residue mobility, and thermodynamic stability) indicates that this missense variant is not expected to disrupt KAT6B protein function with a negative predictive value of 80%. In summary, the available evidence is currently insufficient to determine the role of this variant in disease. Therefore, it has been classified as a Variant of Uncertain Significance.